The following is an entry in ClinVar:

ClinVar aggregate classification (germline): Likely pathogenic (1 of 4 stars; one submission).

Conditions:
Imerslund-Grasbeck syndrome. Also called: Imerslund-Gräsbeck syndrome; ENTEROCYTE COBALAMIN MALABSORPTION; ENTEROCYTE INTRINSIC FACTOR RECEPTOR, DEFECT OF; PERNICIOUS ANEMIA, JUVENILE, DUE TO SELECTIVE INTESTINAL MALABSORPTION OF VITAMIN B12, WITH PROTEINURIA; Megaloblastic anemia due to inborn errors of metabolism. Identifiers: Orphanet 35858, MedGen C4551825, MONDO:0009853.

gnomAD v4.1: 5 of 1,604,822 alleles (0.00031%); highest among the groups gnomAD compares: Non-Finnish European, 0.00043%; no homozygotes.

Submission:

Labcorp Genetics (formerly Invitae), Labcorp
Classification: Likely pathogenic for Imerslund-Grasbeck syndrome. Last evaluated: 2025-01-30. Review status: criteria provided, single submitter. Criteria: Invitae Variant Classification Sherloc (09022015). Collection method: clinical testing. Allele origin: germline.
Comment: This sequence change affects a donor splice site in intron 23 of the CUBN gene. It is expected to disrupt RNA splicing. Variants that disrupt the donor or acceptor splice site typically lead to a loss of protein function (PMID: 16199547), and loss-of-function variants in CUBN are known to be pathogenic (PMID: 15024727, 22929189, 25349199, 31613795, 34979989). This variant is present in population databases (no rsID available, gnomAD 0.0009%). Disruption of this splice site has been observed in individual(s) with Imerslund-Gräsbeck syndrome (PMID: 21208123). Algorithms developed to predict the effect of sequence changes on RNA splicing suggest that this variant may disrupt the consensus splice site. In summary, the currently available evidence indicates that the variant is pathogenic, but additional data are needed to prove that conclusively. Therefore, this variant has been classified as Likely Pathogenic.

Literature cited by the submitters: PubMed 16199547; PubMed 15024727; PubMed 22929189; PubMed 25349199; PubMed 31613795; PubMed 34979989; PubMed 21208123.

NM_001081.4(CUBN):c.3329+1G>A

Gene: CUBN (cubilin; minus strand). Cytogenetic location: 10p13.
Variant type: single nucleotide variant.
Coding change: c.3329+1G>A on transcript NM_001081.4 (MANE Select); the canonical splice donor site of the intron after coding-DNA position 3329, G replaced by A.
Molecular consequence: splice donor variant.
Genome position (GRCh38, 1-based): chr10:17,047,413, C>T on the plus strand (G>A on the coding strand, the complement: CUBN is on the minus strand). VCF-style: chr10-17047413-C-T. GRCh37 (hg19) VCF-style: chr10-17089412-C-T.
Identifiers: ClinVar variation 3616731 (VCV003616731.2).